The following is an entry in ClinVar:

ClinVar aggregate classification (germline): Likely benign. Review status: criteria provided, multiple submitters, no conflicts (2 of 4 stars). 2 submissions from 2 submitters: Likely benign (2). Last evaluated 2025-05-07.

Allele frequency attached by ClinVar (database versions not stated): ExAC 0.00003; gnomAD 0.00003; TOPMed 0.00005; gnomAD exomes 0.00006 and 0.00007; ESP Exome Variant Server 0.00008.
gnomAD v4.1: 100 of 1,613,344 alleles (0.0062%); highest among the groups gnomAD compares: Non-Finnish European, 0.0081%; no homozygotes.

Submissions (2):

Labcorp Genetics (formerly Invitae), Labcorp
Classification: Likely benign. Last evaluated: 2025-05-07. Review status: criteria provided, single submitter. Criteria: Invitae Variant Classification Sherloc (09022015). Collection method: clinical testing. Allele origin: germline.

CeGaT Center for Human Genetics Tuebingen
Classification: Likely benign. Last evaluated: 2022-08-01. Review status: criteria provided, single submitter. Criteria: CeGaT Center For Human Genetics Tuebingen Variant Classification Criteria Version 2. Collection method: clinical testing. Allele origin: germline. Affected: yes. Observed: 1 variant allele.
Comment: TMEM106B: BP4, BP7

NM_001134232.2(TMEM106B):c.510A>G (p.Gln170=)

Gene: TMEM106B (transmembrane protein 106B; plus strand). Cytogenetic location: 7p21.3.
Variant type: single nucleotide variant.
Coding change: c.510A>G on transcript NM_001134232.2 (MANE Select); coding-DNA position 510, A replaced by G.
Protein change: p.Gln170=; no amino-acid change (glutamine 170 retained).
Molecular consequence: synonymous variant.
Genome position (GRCh38, 1-based): chr7:12,229,747, A>G. VCF-style: chr7-12229747-A-G. GRCh37 (hg19) VCF-style: chr7-12269373-A-G.
Other names: c.510A>G, p.Gln170= (NM_018374.4).
Identifiers: ClinVar variation 1358507 (VCV001358507.29), dbSNP rs144597777, ClinGen allele CA4165124.
Genomic context (GRCh38, chr7:12,229,747, plus strand): 5'-AAATATAACAAACAATAACTATTACTCTGTCGAAGTTGAAAACATCACTGCCCAAGTTCA[A>G]TTTTCAAAAACAGTTATTGGAAAGGCACGCTTAAACAACATAACCATTATTGGTCCACTT-3'
Protein context (NP_001127704.1, residues 160-180): VEVENITAQV[Gln170=]FSKTVIGKAR